The following is an entry in ClinVar:

NM_014822.4(SEC24D):c.976G>T (p.Ala326Ser)

Gene: SEC24D (SEC24 homolog D, COPII coat complex component; minus strand). Cytogenetic location: 4q26.
Variant type: single nucleotide variant.
Coding change: c.976G>T on transcript NM_014822.4 (MANE Select); coding-DNA position 976, G replaced by T.
Protein change: p.Ala326Ser; replaces alanine 326 with serine.
Molecular consequence: missense variant.
Genome position (GRCh38, 1-based): chr4:118,797,748, C>A on the plus strand (G>T on the coding strand, the complement: SEC24D is on the minus strand). VCF-style: chr4-118797748-C-A. GRCh37 (hg19) VCF-style: chr4-119718903-C-A.
Other names: c.979G>T, p.Ala327Ser (NM_001318066.2); short protein forms A326S, A327S.
Identifiers: ClinVar variation 1918411 (VCV001918411.4), dbSNP rs376572075, ClinGen allele CA3057376.

ClinVar aggregate classification (germline): Uncertain significance (1 of 4 stars; one submission).

Allele frequency attached by ClinVar (database versions not stated): TOPMed below 0.00001; ExAC 0.00001; gnomAD exomes 0.00001; ESP Exome Variant Server 0.00008.
gnomAD v4.1: 8 of 1,611,370 alleles (0.0005%); highest among the groups gnomAD compares: Non-Finnish European, 0.00068%; no homozygotes.

Submission:

Labcorp Genetics (formerly Invitae), Labcorp
Classification: Uncertain significance. Last evaluated: 2022-04-25. Review status: criteria provided, single submitter. Criteria: Invitae Variant Classification Sherloc (09022015). Collection method: clinical testing. Allele origin: germline.
Comment: In summary, the available evidence is currently insufficient to determine the role of this variant in disease. Therefore, it has been classified as a Variant of Uncertain Significance. Algorithms developed to predict the effect of missense changes on protein structure and function are either unavailable or do not agree on the potential impact of this missense change (SIFT: "Not Available"; PolyPhen-2: "Probably Damaging"; Align-GVGD: "Not Available"). This variant has not been reported in the literature in individuals affected with SEC24D-related conditions. This variant is present in population databases (rs376572075, gnomAD 0.0009%). This sequence change replaces alanine, which is neutral and non-polar, with serine, which is neutral and polar, at codon 326 of the SEC24D protein (p.Ala326Ser).